The following is an entry in ClinVar:

NM_006514.4(SCN10A):c.2484C>T (p.Pro828=)

Gene: SCN10A (sodium voltage-gated channel alpha subunit 10; minus strand). Cytogenetic location: 3p22.2.
Variant type: single nucleotide variant.
Coding change: c.2484C>T on transcript NM_006514.4 (MANE Select); coding-DNA position 2484, C replaced by T.
Protein change: p.Pro828=; no amino-acid change (proline 828 retained).
Molecular consequence: synonymous variant.
Genome position (GRCh38, 1-based): chr3:38,728,698, G>A on the plus strand (C>T on the coding strand, the complement: SCN10A is on the minus strand). VCF-style: chr3-38728698-G-A. GRCh37 (hg19) VCF-style: chr3-38770189-G-A.
Other names: c.2484C>T, p.Pro828= (NM_001293306.2); c.2190C>T, p.Pro730= (NM_001293307.2).
Identifiers: ClinVar variation 532151 (VCV000532151.22), dbSNP rs777634572, ClinGen allele CA2320527.
Genomic context (GRCh38, chr3:38,728,698, plus strand): 5'-TCCACAGAGGATACGGAAGACAATGAGGAAAGAGTGGAAGAAGTCGTGCATGTGCCAGCG[G>A]GGCCAGTCTTCATGGGGCGCGGAGATATTTTTTCGGTTGTTACGGTAGTTTTCCCCTAGG-3'
Protein context (NP_006505.4, residues 818-838): KNISAPHEDW[Pro828=]RWHMHDFFHS

ClinVar aggregate classification (germline): Likely benign. Review status: criteria provided, multiple submitters, no conflicts (2 of 4 stars). 3 submissions from 3 submitters: Likely benign (3). Last evaluated 2026-06-24.

Conditions:
Cardiovascular phenotype. Identifiers: MedGen CN230736.
Brugada syndrome. Also called: Sudden unexpected nocturnal death syndrome; Sudden unexplained nocturnal death syndrome; Sudden Unexplained Death Syndrome; Sudden Unexplained Nocturnal Death Syndrome (SUNDS). Identifiers: Orphanet 130, MedGen C1142166, MONDO:0015263.
SCN10A-related disorder. Also called: SCN10A-related condition.

Allele frequency attached by ClinVar (database versions not stated): gnomAD 0.00003; gnomAD exomes 0.00003 and 0.00001; ExAC 0.00004; TOPMed 0.00001.
gnomAD v4.1: 24 of 1,614,098 alleles (0.0015%); highest among the groups gnomAD compares: Non-Finnish European, 0.0018%; no homozygotes.

Submissions (3):

PreventionGenetics, part of Exact Sciences
Classification: Likely benign for SCN10A-related condition. Last evaluated: 2026-06-24. Review status: criteria provided, single submitter. Criteria: ACMG Guidelines, 2015. Collection method: clinical testing. Allele origin: germline.
Comment: This variant is classified as likely benign based on ACMG/AMP sequence variant interpretation guidelines (Richards et al. 2015 PMID: 25741868, with internal and published modifications).

Labcorp Genetics (formerly Invitae), Labcorp
Classification: Likely benign for Brugada syndrome. Last evaluated: 2025-06-19. Review status: criteria provided, single submitter. Criteria: Invitae Variant Classification Sherloc (09022015). Collection method: clinical testing. Allele origin: germline.

Ambry Genetics
Classification: Likely benign for Cardiovascular phenotype. Last evaluated: 2019-07-11. Review status: criteria provided, single submitter. Criteria: Ambry Variant Classification Scheme 2023. Collection method: clinical testing. Allele origin: germline.